The following is an entry in ClinVar:

NM_000257.4(MYH7):c.3712A>T (p.Ile1238Phe)

Gene: MYH7 (myosin heavy chain 7; minus strand). Cytogenetic location: 14q11.2.
Variant type: single nucleotide variant.
Coding change: c.3712A>T on transcript NM_000257.4 (MANE Select); coding-DNA position 3712, A replaced by T.
Protein change: p.Ile1238Phe; replaces isoleucine 1238 with phenylalanine.
Molecular consequence: missense variant.
Genome position (GRCh38, 1-based): chr14:23,419,859, T>A on the plus strand (A>T on the coding strand, the complement: MYH7 is on the minus strand). VCF-style: chr14-23419859-T-A. GRCh37 (hg19) VCF-style: chr14-23889068-T-A.
Other names: short protein forms I1238F.
Identifiers: ClinVar variation 1172284 (VCV001172284.3), dbSNP rs2138653375, ClinGen allele CA389042940.

ClinVar aggregate classification (germline): Uncertain significance (1 of 4 stars; one submission).

Conditions:
Cardiomyopathy (CMYO). Also called: Cardiomyopathies. Identifiers: Orphanet 167848, MedGen C0878544, MONDO:0004994, HP:0001638. Inheritance: Various modes of inheritance.

Submission:

Color Diagnostics, LLC DBA Color Health
Classification: Uncertain significance for Cardiomyopathy. Last evaluated: 2024-03-06. Review status: criteria provided, single submitter. Criteria: ACMG Guidelines, 2015. Collection method: clinical testing. Allele origin: germline.
Comment: This missense variant replaces isoleucine with phenylalanine at codon 1238 of the MYH7 protein. Computational prediction suggests that this variant may not impact protein structure and function (internally defined REVEL score threshold <= 0.5, PMID: 27666373). To our knowledge, functional studies have not been reported for this variant. This variant has not been reported in individuals affected with cardiovascular disorders in the literature. This variant has not been identified in the general population by the Genome Aggregation Database (gnomAD). The available evidence is insufficient to determine the role of this variant in disease conclusively. Therefore, this variant is classified as a Variant of Uncertain Significance.